The following is an entry in ClinVar:

ClinVar aggregate classification (germline): Uncertain significance (1 of 4 stars; one submission).

Conditions:
Ullrich congenital muscular dystrophy 2 (UCMD2). Identifiers: Orphanet 75840, MedGen C4225314, MONDO:0014654, OMIM 616470.
Bethlem myopathy 2 (BTHLM2). Identifiers: Orphanet 536516, Orphanet 610, MedGen C4225313, MONDO:0034022, OMIM 616471.

Submission:

Labcorp Genetics (formerly Invitae), Labcorp
Classification: Uncertain significance for Bethlem myopathy 2; Ullrich congenital muscular dystrophy 2. Last evaluated: 2021-07-08. Review status: criteria provided, single submitter. Criteria: Invitae Variant Classification Sherloc (09022015). Collection method: clinical testing. Allele origin: germline.
Comment: This sequence change replaces histidine with tyrosine at codon 2257 of the COL12A1 protein (p.His2257Tyr). The histidine residue is highly conserved and there is a moderate physicochemical difference between histidine and tyrosine. This variant is not present in population databases (ExAC no frequency). This variant has not been reported in the literature in individuals affected with COL12A1-related conditions. Algorithms developed to predict the effect of missense changes on protein structure and function are either unavailable or do not agree on the potential impact of this missense change (SIFT: "Deleterious"; PolyPhen-2: "Benign"; Align-GVGD: "Class C0"). In summary, the available evidence is currently insufficient to determine the role of this variant in disease. Therefore, it has been classified as a Variant of Uncertain Significance.

NM_004370.6(COL12A1):c.6769C>T (p.His2257Tyr)

Gene: COL12A1 (collagen type XII alpha 1 chain; minus strand). Cytogenetic location: 6q13.
Variant type: single nucleotide variant.
Coding change: c.6769C>T on transcript NM_004370.6 (MANE Select); coding-DNA position 6769, C replaced by T.
Protein change: p.His2257Tyr; replaces histidine 2257 with tyrosine.
Molecular consequence: missense variant.
Genome position (GRCh38, 1-based): chr6:75,124,050, G>A on the plus strand (C>T on the coding strand, the complement: COL12A1 is on the minus strand). VCF-style: chr6-75124050-G-A. GRCh37 (hg19) VCF-style: chr6-75833766-G-A.
Other names: c.3277C>T, p.His1093Tyr (NM_080645.3); short protein forms H2257Y, H1093Y.
Identifiers: ClinVar variation 1502935 (VCV001502935.8), dbSNP rs2149373719, ClinGen allele CA364728604.